The following is an entry in ClinVar:

ClinVar aggregate classification (germline): Conflicting classifications of pathogenicity. Review status: criteria provided, conflicting classifications (1 of 4 stars). 3 submissions from 3 submitters: Likely pathogenic (1); Uncertain significance (2). Last evaluated 2024-10-24.

Conditions:
Glycogen storage disease type III (GSD3). Also called: FORBES DISEASE; Cori disease. Identifiers: Orphanet 366, MedGen C0017922, MONDO:0009291, OMIM 232400.
Inborn genetic diseases. Identifiers: MedGen C0950123, MeSH D030342.
AGL-related disorder. Also called: AGL-related condition.

Submissions (3):

PreventionGenetics, part of Exact Sciences
Classification: Uncertain significance for AGL-related condition. Last evaluated: 2024-10-24. Review status: criteria provided, single submitter. Criteria: ACMG Guidelines, 2015. Collection method: clinical testing. Allele origin: germline.
Comment: The AGL c.517T>C variant is predicted to result in the amino acid substitution p.Tyr173His. To our knowledge, this variant has not been reported in the literature or in a large population database (gnomAD), indicating this variant is rare. At this time, the clinical significance of this variant is uncertain due to the absence of conclusive functional and genetic evidence.

Ambry Genetics
Classification: Uncertain significance for Inborn genetic diseases. Last evaluated: 2022-01-26. Review status: criteria provided, single submitter. Criteria: Ambry Variant Classification Scheme 2023. Collection method: clinical testing. Allele origin: germline.

Juno Genomics, Hangzhou Juno Genomics, Inc
Classification: Likely pathogenic for Glycogen storage disease type III. Review status: criteria provided, single submitter. Criteria: ACMG Guidelines, 2015. Collection method: clinical testing. Allele origin: germline. Affected: yes.
Comment: Absent from controls (or at extremely low frequency if recessive) in Genome Aggregation Database.;Multiple lines of computational evidence support a deleterious effect on the gene or gene product.;For recessive disorders, detected in trans with a pathogenic variant.;Patient's phenotype or family history is highly specific for a disease with a single genetic etiology.

NM_000642.3(AGL):c.517T>C (p.Tyr173His)

Gene: AGL (amylo-alpha-1,6-glucosidase and 4-alpha-glucanotransferase; plus strand). Cytogenetic location: 1p21.2.
Variant type: single nucleotide variant.
Coding change: c.517T>C on transcript NM_000642.3 (MANE Select); coding-DNA position 517, T replaced by C.
Protein change: p.Tyr173His; replaces tyrosine 173 with histidine.
Molecular consequence: missense variant.
Genome position (GRCh38, 1-based): chr1:99,864,442, T>C. VCF-style: chr1-99864442-T-C. GRCh37 (hg19) VCF-style: chr1-100329998-T-C.
Other names: c.517T>C, p.Tyr173His (NM_000028.3, NM_000643.3, NM_000644.3 and 3 more transcripts); c.469T>C, p.Tyr157His (NM_000646.3); c.139T>C, p.Tyr47His (NM_001425332.1); short protein forms Y173H, Y157H, Y47H.
Identifiers: ClinVar variation 2273500 (VCV002273500.4), dbSNP rs2524516798, ClinGen allele CA341335311.